The following is an entry in ClinVar:

NM_000081.4(LYST):c.3078A>C (p.Arg1026Ser)

Gene: LYST (lysosomal trafficking regulator; minus strand). Cytogenetic location: 1q42.3.
Variant type: single nucleotide variant.
Coding change: c.3078A>C on transcript NM_000081.4 (MANE Select); coding-DNA position 3078, A replaced by C.
Protein change: p.Arg1026Ser; replaces arginine 1026 with serine.
Molecular consequence: missense variant.
Genome position (GRCh38, 1-based): chr1:235,806,058, T>G on the plus strand (A>C on the coding strand, the complement: LYST is on the minus strand). VCF-style: chr1-235806058-T-G. GRCh37 (hg19) VCF-style: chr1-235969358-T-G.
Other names: c.3078A>C, p.Arg1026Ser (NM_001301365.1); short protein forms R1026S.
Identifiers: ClinVar variation 2048464 (VCV002048464.1), dbSNP rs769840460, ClinGen allele CA1467147.

ClinVar aggregate classification (germline): Uncertain significance (1 of 4 stars; one submission).

Conditions:
Chédiak-Higashi syndrome (CHS). Also called: Chediak-Higashi Syndrome. Identifiers: Orphanet 167, MedGen C0007965, MONDO:0008963, OMIM 214500.

Allele frequency attached by ClinVar (database versions not stated): ExAC 0.00001.

Submission:

Labcorp Genetics (formerly Invitae), Labcorp
Classification: Uncertain significance for Chédiak-Higashi syndrome. Last evaluated: 2022-03-04. Review status: criteria provided, single submitter. Criteria: Invitae Variant Classification Sherloc (09022015). Collection method: clinical testing. Allele origin: germline.
Comment: This sequence change replaces arginine, which is basic and polar, with serine, which is neutral and polar, at codon 1026 of the LYST protein (p.Arg1026Ser). This variant is not present in population databases (gnomAD no frequency). This variant has not been reported in the literature in individuals affected with LYST-related conditions. Algorithms developed to predict the effect of missense changes on protein structure and function (SIFT, PolyPhen-2, Align-GVGD) all suggest that this variant is likely to be tolerated. In summary, the available evidence is currently insufficient to determine the role of this variant in disease. Therefore, it has been classified as a Variant of Uncertain Significance.